The following is an entry in ClinVar:

ClinVar aggregate classification (germline): Likely benign. Review status: criteria provided, multiple submitters, no conflicts (2 of 4 stars). 3 submissions from 3 submitters: Likely benign (3). Last evaluated 2025-08-06.

Conditions:
Cardiovascular phenotype. Identifiers: MedGen CN230736.

Allele frequency attached by ClinVar (database versions not stated): gnomAD 0.00001.
gnomAD v4.1: 20 of 1,550,026 alleles (0.0013%); highest among the groups gnomAD compares: Non-Finnish European, 0.0017%; no homozygotes.

Submissions (3):

Labcorp Genetics (formerly Invitae), Labcorp
Classification: Likely benign. Last evaluated: 2025-08-06. Review status: criteria provided, single submitter. Criteria: Invitae Variant Classification Sherloc (09022015). Collection method: clinical testing. Allele origin: germline.

CeGaT Center for Human Genetics Tuebingen
Classification: Likely benign. Last evaluated: 2024-08-01. Review status: criteria provided, single submitter. Criteria: CeGaT Center For Human Genetics Tuebingen Variant Classification Criteria Version 2. Collection method: clinical testing. Allele origin: germline. Affected: yes. Observed: 1 variant allele.
Comment: ZNF469: BP4, BP7

Ambry Genetics
Classification: Likely benign for Cardiovascular phenotype. Last evaluated: 2022-06-09. Review status: criteria provided, single submitter. Criteria: Ambry Variant Classification Scheme 2023. Collection method: clinical testing. Allele origin: germline.

NM_001367624.2(ZNF469):c.3825C>A (p.Thr1275=)

Gene: ZNF469 (zinc finger protein 469; plus strand). Cytogenetic location: 16q24.2.
Variant type: single nucleotide variant.
Coding change: c.3825C>A on transcript NM_001367624.2 (MANE Select); coding-DNA position 3825, C replaced by A.
Protein change: p.Thr1275=; no amino-acid change (threonine 1275 retained).
Molecular consequence: synonymous variant.
Genome position (GRCh38, 1-based): chr16:88,431,295, C>A. VCF-style: chr16-88431295-C-A. GRCh37 (hg19) VCF-style: chr16-88497703-C-A.
Other names: NM_001127464.1:c.3741C>A.
Identifiers: ClinVar variation 1734479 (VCV001734479.23), dbSNP rs1239071722, ClinGen allele CA497354602.